The following is an entry in ClinVar:

ClinVar aggregate classification (germline): Uncertain significance (1 of 4 stars; one submission).

Conditions:
Juvenile polyposis/hereditary hemorrhagic telangiectasia syndrome (JPHT). Also called: Juvenile Polyposis Syndrome / Hereditary Hemorrhagic Telangiectasia (JPS/HHT); JP/HHT SYNDROME; JUVENILE POLYPOSIS WITH HEREDITARY HEMORRHAGIC TELANGIECTASIA; POLYPOSIS, GENERALIZED JUVENILE, WITH PULMONARY ARTERIOVENOUS MALFORMATION; TELANGIECTASIA, HEREDITARY HEMORRHAGIC, WITH JUVENILE POLYPOSIS COLI. Identifiers: Orphanet 2929, MedGen C1832942, MONDO:0008278, OMIM 175050.

Submission:

All of Us Research Program, National Institutes of Health
Classification: Uncertain significance for Juvenile polyposis/hereditary hemorrhagic telangiectasia syndrome. Last evaluated: 2023-11-20. Review status: criteria provided, single submitter. Criteria: ACMG Guidelines, 2015. Collection method: clinical testing. Allele origin: germline. Inheritance: Autosomal dominant inheritance. Observed: 1 variant allele, 1 heterozygote.
Comment: This missense variant replaces leucine with valine at codon 82 of the SMAD4 protein. Computational prediction suggests that this variant may have deleterious impact on protein structure and function (internally defined REVEL score threshold >= 0.7, PMID: 27666373). To our knowledge, functional studies have not been reported for this variant. This variant has not been reported in individuals affected with SMAD4-related disorders in the literature. This variant has not been identified in the general population by the Genome Aggregation Database (gnomAD). The available evidence is insufficient to determine the role of this variant in disease conclusively. Therefore, this variant is classified as a Variant of Uncertain Significance.

This study involves interpretation of variants in research participants for the purpose of population health screening. Participant phenotype was not available at the time of variant classification. Additional details can be found in publication PMID: 35346344, PMCID: PMC8962531

NM_005359.6(SMAD4):c.244C>G (p.Leu82Val)

Gene: SMAD4 (SMAD family member 4; plus strand). Cytogenetic location: 18q21.2.
Variant type: single nucleotide variant.
Coding change: c.244C>G on transcript NM_005359.6 (MANE Select); coding-DNA position 244, C replaced by G.
Protein change: p.Leu82Val; replaces leucine 82 with valine.
Molecular consequence: missense variant. On other transcripts: non-coding transcript variant (2).
Genome position (GRCh38, 1-based): chr18:51,047,290, C>G. VCF-style: chr18-51047290-C-G. GRCh37 (hg19) VCF-style: chr18-48573660-C-G.
Other names: c.244C>G, p.Leu82Val (NM_001407041.1, NM_001407042.1, NM_001407043.1); short protein forms L82V.
Identifiers: ClinVar variation 3074596 (VCV003074596.1), dbSNP rs2144401976, ClinGen allele CA402458140.
Genomic context (GRCh38, chr18:51,047,290, plus strand): 5'-ACTACAAATGGAGCTCATCCTAGTAAATGTGTTACCATACAGAGAACATTGGATGGGAGG[C>G]TTCAGGTTAGTCTTATAAGAGTTTTTCTATACCCTCTATGGTGGCAGATTTAAAAACTTG-3'
Protein context (NP_005350.1, residues 72-92): VTIQRTLDGR[Leu82Val]QVAGRKGFPH